The following is an entry in ClinVar:

NM_153240.5(NPHP3):c.1985+9C>T

Genes: NPHP3 (nephrocystin 3; minus strand), NPHP3-ACAD11 (NPHP3-ACAD11 readthrough (NMD candidate); minus strand). Cytogenetic location: 3q22.1.
Variant type: single nucleotide variant.
Coding change: c.1985+9C>T on transcript NM_153240.5 (MANE Select); 9 bases into the intron after coding-DNA position 1985, C replaced by T.
Molecular consequence: intron variant.
Genome position (GRCh38, 1-based): chr3:132,699,344, G>A on the plus strand (C>T on the coding strand, the complement: NPHP3 is on the minus strand). VCF-style: chr3-132699344-G-A. GRCh37 (hg19) VCF-style: chr3-132418188-G-A.
Identifiers: ClinVar variation 4997544 (VCV004997544.1).

ClinVar aggregate classification (germline): Likely benign (1 of 4 stars; one submission).

Conditions:
NPHP3-related disorder. Also called: NPHP3-related disorders; NPHP3-related condition. Identifiers: MedGen CN379163.

gnomAD v4.1: 1 of 1,581,388 alleles (0.000063%); highest among the groups gnomAD compares: Non-Finnish European, 0.000087%; no homozygotes.

Submission:

PreventionGenetics, part of Exact Sciences
Classification: Likely benign for NPHP3-related condition. Last evaluated: 2025-06-23. Review status: criteria provided, single submitter. Criteria: ACMG Guidelines, 2015. Collection method: clinical testing. Allele origin: germline.
Comment: This variant is classified as likely benign based on ACMG/AMP sequence variant interpretation guidelines (Richards et al. 2015 PMID: 25741868, with internal and published modifications).